The following is an entry in ClinVar:

ClinVar aggregate classification (germline): Uncertain significance (1 of 4 stars; one submission).

Conditions:
Inborn genetic diseases. Identifiers: MedGen C0950123, MeSH D030342.

Submission:

Ambry Genetics
Classification: Uncertain significance for Inborn genetic diseases. Last evaluated: 2025-07-03. Review status: criteria provided, single submitter. Criteria: Ambry Variant Classification Scheme 2023. Collection method: clinical testing. Allele origin: germline.
Comment: The c.-2C>T variant is located in the 5' untranslated region (5&rsquo; UTR) of the MBD4 gene. This variant results from a C to T substitution 2 bases upstream from the first translated codon. This nucleotide position is poorly conserved in available vertebrate species. Based on the available evidence, the clinical significance of this variant remains unclear.

NM_001276270.2(MBD4):c.-2C>T

Genes: MBD4 (methyl-CpG binding domain 4, DNA glycosylase; minus strand), LOC129937550 (ATAC-STARR-seq lymphoblastoid active region 20512; plus strand). Cytogenetic location: 3q21.3.
Variant type: single nucleotide variant.
Coding change: c.-2C>T on transcript NM_001276270.2 (MANE Select); 2 bases upstream of the start codon, C replaced by T.
Molecular consequence: 5 prime UTR variant.
Genome position (GRCh38, 1-based): chr3:129,439,835, G>A on the plus strand (C>T on the coding strand, the complement: MBD4 is on the minus strand). VCF-style: chr3-129439835-G-A. GRCh37 (hg19) VCF-style: chr3-129158678-G-A.
Other names: c.-2C>T (NM_001276271.2, NM_001276272.2, NM_001276273.2 and 1 more transcripts).
Identifiers: ClinVar variation 4104607 (VCV004104607.1).
Genomic context (GRCh38, chr3:129,439,835, plus strand): 5'-ACGGTGGGGGCAGCTCCGCGGTCCCCCAGACTCAGACTCTCCAGCCCAGTCGTGCCCATC[G>A]AGCAGGGTCCGGCTGCAGCAACGAGCCCAGCGCCGCAACGCCCAGGGTGTGGGGCGGAGT-3'